The following is an entry in ClinVar:

NM_005159.5(ACTC1):c.806T>C (p.Ile269Thr)

Genes: ACTC1 (actin alpha cardiac muscle 1; minus strand), GJD2-DT (GJD2 divergent transcript; plus strand). Cytogenetic location: 15q14.
Variant type: single nucleotide variant.
Coding change: c.806T>C on transcript NM_005159.5 (MANE Select); coding-DNA position 806, T replaced by C.
Protein change: p.Ile269Thr; replaces isoleucine 269 with threonine.
Molecular consequence: missense variant.
Genome position (GRCh38, 1-based): chr15:34,792,092, A>G on the plus strand (T>C on the coding strand, the complement: ACTC1 is on the minus strand). VCF-style: chr15-34792092-A-G. GRCh37 (hg19) VCF-style: chr15-35084293-A-G.
Other names: p.I269T:ATT>ACT; short protein forms I269T.
Identifiers: ClinVar variation 45190 (VCV000045190.14), dbSNP rs397517071, ClinGen allele CA019933.

ClinVar aggregate classification (germline): Conflicting classifications of pathogenicity. Review status: criteria provided, conflicting classifications (1 of 4 stars). 7 submissions from 7 submitters: Likely pathogenic (3); Uncertain significance (4). Last evaluated 2026-06-18.

Conditions:
Left ventricular noncompaction. Identifiers: Orphanet 54260, MedGen C1960469, MONDO:0018901, HP:0030682.
Primary dilated cardiomyopathy (DCM). Also called: Dilated Cardiomyopathy. Identifiers: Orphanet 217604, MedGen C0007193, MeSH D002311, MONDO:0005021, HP:0001644. Inheritance: Various modes of inheritance.
Atrial septal defect 5 (ASD5). Identifiers: Orphanet 1478, MedGen C2748552, MONDO:0013011, OMIM 612794.
Hypertrophic cardiomyopathy 11. Also called: ACTC1-Related Familial Hypertrophic Cardiomyopathy. Identifiers: MedGen C2677506, MONDO:0012799, OMIM 612098.
Dilated cardiomyopathy 1R (CMD1R). Identifiers: Orphanet 154, Orphanet 54260, MedGen C3150681, MONDO:0013261, OMIM 613424.

Submissions (7):

Victorian Clinical Genetics Services, Murdoch Childrens Research Institute
Classification: Uncertain significance for Dilated cardiomyopathy 1R. Last evaluated: 2026-06-18. Review status: criteria provided, single submitter. Criteria: ACMG Guidelines, 2015. Collection method: clinical testing. Allele origin: germline. Affected: yes.
Comment: This variant is classified as VUS-3A. Evidence in support of pathogenic classification: Variant is absent from gnomAD (v4); Missense variant in a region that is highly intolerant to missense variation (high constraint region in DECIPHER); Missense variant predicted to be damaging by in silico tool(s) or highly conserved with a major amino acid change. Additional information: Variant is predicted to result in a missense amino acid change from Ile to Thr; This variant is heterozygous; This gene is associated with autosomal dominant disease; Alternative amino acid change(s) at the same position are present in gnomAD (highest allele count: v4: 1 heterozygote(s), 0 homozygote(s)); Previous reports of pathogenicity for this variant are conflicting. This variant has been classified as likely pathogenic and as a VUS by clinical laboratories in ClinVar. Additionally, it has been reported in the literature in a family with LVNC, with all gene positive individuals also harbouring a pathogenic TTN variant (PMID: 37342443). It has also been reported in two paediatric individuals with cardiac phenotypes; however, they also harboured additional VUS in cardiac genes (PMID: 26187847, 24503780); No published functional evidence has been identified for this variant; No comparable missense variants have previous evidence for pathogenicity; The mechanism of disease for this gene is not clearly established. Missense variants have been described with both loss and gain of function properties (PMID: 29719515). However, the exact mechanism remains unclear.

Mayo Clinic Laboratories, Mayo Clinic
Classification: Uncertain significance. Last evaluated: 2024-03-01. Review status: criteria provided, single submitter. Criteria: ACMG Guidelines, 2015. Collection method: clinical testing. Allele origin: germline. Observed: 1 variant allele.
Comment: PP2, PP3, PM2, PS4_moderate

Labcorp Genetics (formerly Invitae), Labcorp
Classification: Uncertain significance for Dilated cardiomyopathy 1R; Hypertrophic cardiomyopathy 11; Atrial septal defect 5. Last evaluated: 2022-05-20. Review status: criteria provided, single submitter. Criteria: Invitae Variant Classification Sherloc (09022015). Collection method: clinical testing. Allele origin: germline.
Comment: In summary, the available evidence is currently insufficient to determine the role of this variant in disease. Therefore, it has been classified as a Variant of Uncertain Significance. Algorithms developed to predict the effect of missense changes on protein structure and function are either unavailable or do not agree on the potential impact of this missense change (SIFT: "Deleterious"; PolyPhen-2: "Benign"; Align-GVGD: "Class C65"). ClinVar contains an entry for this variant (Variation ID: 45190). This missense change has been observed in individual(s) with clinical features of ACTC1-related conditions (PMID: 24503780). This variant is not present in population databases (gnomAD no frequency). This sequence change replaces isoleucine, which is neutral and non-polar, with threonine, which is neutral and polar, at codon 269 of the ACTC1 protein (p.Ile269Thr).

Blueprint Genetics
Classification: Uncertain significance. Last evaluated: 2022-04-27. Review status: criteria provided, single submitter. Criteria: ACMG Guidelines, 2015. Collection method: clinical testing. Allele origin: germline.

AiLife Diagnostics
Classification: Likely pathogenic. Last evaluated: 2021-11-20. Review status: criteria provided, single submitter. Criteria: ACMG Guidelines, 2015. Collection method: clinical testing. Allele origin: germline. Affected: yes. Observed: 1 variant allele.

Laboratory for Molecular Medicine, Mass General Brigham Personalized Medicine
Classification: Likely pathogenic for Primary dilated cardiomyopathy; Left ventricular noncompaction. Last evaluated: 2018-04-27. Review status: criteria provided, single submitter. Criteria: LMM Criteria. Collection method: clinical testing. Allele origin: germline. Observed: 7 variant alleles.
Comment: The p.Ile269Thr variant has been identified in 3 individuals with early-onset ca rdiomyopathy and segregated with disease in 5 affected family members from 2 fam ilies (GeneDx pers. comm., LMM data). Phenotypes of these individuals included D CM, LVNC, and HCM. Severity in affected family members was variable raising the possibility that other genetic or environmental factors were present in the earl y onset cases. The p.Ile269Thr variant was absent from large population studies but has been reported in ClinVar (Variation ID# 45190). Computational prediction tools and conservation analysis suggest that the p.Ile269Thr variant may impact the protein, though this information is not predictive enough to determine path ogenicity. In summary, although additional studies are required to fully establi sh its clinical significance, the p.Ile269Thr variant is likely pathogenic. ACMG /AMP Criteria applied: PM2; PP1_Moderate; PP3; PS4_Supporting.

GeneDx
Classification: Likely pathogenic. Last evaluated: 2014-02-11. Review status: criteria provided, single submitter. Criteria: GeneDx Variant Classification (06012015). Collection method: clinical testing. Allele origin: germline. Affected: yes.
Comment: The I269T variant in the ACTC1 gene has not been reported previously as a disease-causing mutation or as a benign polymorphism to our knowledge, but this variant has been observed in other unrelated individuals tested for DCM I269T results in a non-conservative amino acid substitution of a non-polar Isoleucine with a neutral, polar Threonine. While the Ile269 residue is not uniformly conserved across species, variation is limited to other non-polar amino acids at this position. In silico analysis predicts I269T is damaging to the protein structure/function. Mutations in nearby residues (M271V, S273F) have been reported in association with cardiomyopathy, supporting the functional importance of this region of the protein. Furthermore, I269T was not observed in approximately 6,500 individuals of European and African American ancestry in the NHLBI Exome Sequencing Project, indicating it is not a common benign variant in these populations. In summary, I269T is a good candidate for a disease-causing mutation.

Literature cited by the submitters: PubMed 26187847 (cited by Victorian Clinical Genetics Services, Murdoch Childrens Research Institute); PubMed 29719515 (cited by Victorian Clinical Genetics Services, Murdoch Childrens Research Institute); PubMed 37342443 (cited by Victorian Clinical Genetics Services, Murdoch Childrens Research Institute and Mayo Clinic Laboratories, Mayo Clinic); PubMed 24503780 (cited by 4 submitters); PubMed 27532257 (cited by Mayo Clinic Laboratories, Mayo Clinic and AiLife Diagnostics); PubMed 36252119 (cited by Mayo Clinic Laboratories, Mayo Clinic).